The following is an entry in ClinVar:

ClinVar aggregate classification (germline): Uncertain significance (1 of 4 stars; one submission).

Submission:

Labcorp Genetics (formerly Invitae), Labcorp
Classification: Uncertain significance. Last evaluated: 2020-03-09. Review status: criteria provided, single submitter. Criteria: Invitae Variant Classification Sherloc (09022015). Collection method: clinical testing. Allele origin: germline.
Comment: Experimental studies and prediction algorithms are not available or were not evaluated, and the functional significance of this variant is currently unknown. This variant has not been reported in the literature in individuals with XRCC2-related conditions. This variant is not present in population databases (ExAC no frequency). This sequence change results in a premature translational stop signal in the XRCC2 gene (p.Leu265*). While this is not anticipated to result in nonsense mediated decay, it is expected to disrupt the last 16 amino acids of the XRCC2 protein. In summary, the available evidence is currently insufficient to determine the role of this variant in disease. Therefore, it has been classified as a Variant of Uncertain Significance.

NM_005431.2(XRCC2):c.794T>G (p.Leu265Ter)

Gene: XRCC2 (X-ray repair cross complementing 2; minus strand). Cytogenetic location: 7q36.1.
Variant type: single nucleotide variant.
Coding change: c.794T>G on transcript NM_005431.2 (MANE Select); coding-DNA position 794, T replaced by G.
Protein change: p.Leu265Ter; replaces leucine 265 with a stop codon.
Molecular consequence: nonsense.
Genome position (GRCh38, 1-based): chr7:152,648,691, A>C on the plus strand (T>G on the coding strand, the complement: XRCC2 is on the minus strand). VCF-style: chr7-152648691-A-C. GRCh37 (hg19) VCF-style: chr7-152345776-A-C.
Other names: short protein forms L265*.
Identifiers: ClinVar variation 1018821 (VCV001018821.9), dbSNP rs771671971, ClinGen allele CA370197924.
Genomic context (GRCh38, chr7:152,648,691, plus strand): 5'-TATGATGTATATCAACAAAATTCAACCCCACTTTCTCCAATAATAAAAAAATGTTTTTTT[A>C]AACTGTTACTTTTTAAACAACGTGAAACTAATGAAAATTGGTTGCTGCTTTGAGAATCAT-3'